The following is an entry in ClinVar:

NM_080425.4(GNAS):c.147G>A (p.Met49Ile)

Gene: GNAS (GNAS complex locus; plus strand). Cytogenetic location: 20q13.32.
Variant type: single nucleotide variant.
Coding change: c.147G>A on transcript NM_080425.4 (MANE Plus Clinical); coding-DNA position 147, G replaced by A.
Protein change: p.Met49Ile; replaces methionine 49 with isoleucine.
Molecular consequence: missense variant. On other transcripts: 5 prime UTR variant (2), intron variant (3).
Genome position (GRCh38, 1-based): chr20:58,853,412, G>A. VCF-style: chr20-58853412-G-A. GRCh37 (hg19) VCF-style: chr20-57428467-G-A.
Other names: c.-41G>A (NM_001077490.3, NM_001309883.1); c.147G>A, p.Met49Ile (NM_001410913.1); c.*42+12526G>A (NM_016592.5); c.43+12526G>A (NM_001410912.1); c.-39+11537G>A (NM_001309861.2); short protein forms M49I.
Identifiers: ClinVar variation 4985819 (VCV004985819.1).

ClinVar aggregate classification (germline): Uncertain significance (1 of 4 stars; one submission).

Conditions:
GNAS-related disorder. Identifiers: MedGen CN380105.

gnomAD v4.1: 2 of 1,585,118 alleles (0.00013%); highest among the groups gnomAD compares: African/African-American, 0.0014%; no homozygotes.

Submission:

PreventionGenetics, part of Exact Sciences
Classification: Uncertain significance for GNAS-related condition. Last evaluated: 2025-08-29. Review status: criteria provided, single submitter. Criteria: ACMG Guidelines, 2015. Collection method: clinical testing. Allele origin: germline.
Comment: The GNAS c.147G>A variant is predicted to result in the amino acid substitution p.Met49Ile. To our knowledge, this variant has not been reported in the literature or in a large population database (gnomAD), indicating this variant is rare. At this time, the clinical significance of this variant is uncertain due to the absence of conclusive functional and genetic evidence.